The following is an entry in ClinVar:

NM_000095.3(COMP):c.1979_1980del (p.Thr660fs)

Gene: COMP (cartilage oligomeric matrix protein; minus strand). Cytogenetic location: 19p13.11.
Variant type: Microsatellite.
Coding change: c.1979_1980del on transcript NM_000095.3 (MANE Select); coding-DNA positions 1979 to 1980, 2 bases deleted (CA; older notation c.1979_1980delCA).
Protein change: p.Thr660fs; shifts the reading frame from threonine 660.
Molecular consequence: frameshift variant.
Genome position (GRCh38, 1-based): chr19:18,784,298-18,784,299, TG deleted on the plus strand (CA on the coding strand, the reverse complement: COMP is on the minus strand); deleting any 2 consecutive bases within chr19:18,784,298-18,784,302 gives the same sequence; the c. name uses the placement nearest the transcript's 3' end. VCF-style (leftmost placement, unchanged base first): chr19-18784297-CTG-C. GRCh37 (hg19) VCF-style: chr19-18895107-CTG-C.
Other names: short protein forms T660fs.
Identifiers: ClinVar variation 2122673 (VCV002122673.4), dbSNP rs760514744, ClinGen allele CA9316213.

ClinVar aggregate classification (germline): Uncertain significance (1 of 4 stars; one submission).

Submission:

Labcorp Genetics (formerly Invitae), Labcorp
Classification: Uncertain significance. Last evaluated: 2023-12-21. Review status: criteria provided, single submitter. Criteria: Invitae Variant Classification Sherloc (09022015). Collection method: clinical testing. Allele origin: germline.
Comment: This sequence change creates a premature translational stop signal (p.Thr660Argfs*41) in the COMP gene. It is expected to result in an absent or disrupted protein product. However, the current clinical and genetic evidence is not sufficient to establish whether loss-of-function variants in COMP cause disease. This variant is present in population databases (rs760514744, gnomAD 0.0009%). This variant has not been reported in the literature in individuals affected with COMP-related conditions. Experimental studies and prediction algorithms are not available or were not evaluated, and the functional significance of this variant is currently unknown. In summary, the available evidence is currently insufficient to determine the role of this variant in disease. Therefore, it has been classified as a Variant of Uncertain Significance.